The following is an entry in ClinVar:

ClinVar aggregate classification (germline): Likely benign. Review status: criteria provided, multiple submitters, no conflicts (2 of 4 stars). 2 submissions from 2 submitters: Likely benign (2). Last evaluated 2025-08-22.

Allele frequency attached by ClinVar (database versions not stated): ExAC 0.00013; ESP Exome Variant Server 0.00015; gnomAD 0.00034; TOPMed 0.00044; 1000 Genomes Project 0.00060; 1000 Genomes Project 30x 0.00078.
gnomAD v4.1: 133 of 1,614,182 alleles (0.0082%); highest among the groups gnomAD compares: African/African-American, 0.14%; no homozygotes.

Submissions (2):

Labcorp Genetics (formerly Invitae), Labcorp
Classification: Likely benign. Last evaluated: 2025-08-22. Review status: criteria provided, single submitter. Criteria: Invitae Variant Classification Sherloc (09022015). Collection method: clinical testing. Allele origin: germline.

CeGaT Center for Human Genetics Tuebingen
Classification: Likely benign. Last evaluated: 2025-05-01. Review status: criteria provided, single submitter. Criteria: CeGaT Center For Human Genetics Tuebingen Variant Classification Criteria Version 2. Collection method: clinical testing. Allele origin: germline. Affected: yes. Observed: 1 variant allele.
Comment: EPB42: BP4, BP7

NM_001114134.2(EPB42):c.2049C>T (p.Thr683=)

Gene: EPB42 (erythrocyte membrane protein band 4.2; minus strand). Cytogenetic location: 15q15.2.
Variant type: single nucleotide variant.
Coding change: c.2049C>T on transcript NM_001114134.2 (MANE Select); coding-DNA position 2049, C replaced by T.
Protein change: p.Thr683=; no amino-acid change (threonine 683 retained).
Molecular consequence: synonymous variant.
Genome position (GRCh38, 1-based): chr15:43,197,329, G>A on the plus strand (C>T on the coding strand, the complement: EPB42 is on the minus strand). VCF-style: chr15-43197329-G-A. GRCh37 (hg19) VCF-style: chr15-43489527-G-A.
Other names: c.2139C>T, p.Thr713= (NM_000119.3).
Identifiers: ClinVar variation 2083375 (VCV002083375.14), dbSNP rs138957112, ClinGen allele CA7520136.